The following is an entry in ClinVar:

NM_004646.4(NPHS1):c.2387G>A (p.Gly796Glu)

Gene: NPHS1 (NPHS1 adhesion molecule, nephrin; minus strand). Cytogenetic location: 19q13.12.
Variant type: single nucleotide variant.
Coding change: c.2387G>A on transcript NM_004646.4 (MANE Select); coding-DNA position 2387, G replaced by A.
Protein change: p.Gly796Glu; replaces glycine 796 with glutamic acid.
Molecular consequence: missense variant.
Genome position (GRCh38, 1-based): chr19:35,842,498, C>T on the plus strand (G>A on the coding strand, the complement: NPHS1 is on the minus strand). VCF-style: chr19-35842498-C-T. GRCh37 (hg19) VCF-style: chr19-36333400-C-T.
Other names: c.2387G>A (NM_004646.3); short protein forms G796E.
Identifiers: ClinVar variation 1498356 (VCV001498356.10), dbSNP rs2146819844, ClinGen allele CA405393664.
Genomic context (GRCh38, chr19:35,842,498, plus strand): 5'-CACTGGTAAGCGCCAGCCTGGGCCAGTTTGGCATGGTGAATCCGCAGGCGCCCCGTTGGT[C>T]CCCTGGATATCTTCTCCATGTCATCCAGGCTCTGGTCCTCCTCATCTTCTCCCTGGAGGC-3'
Protein context (NP_004637.1, residues 786-806): SLDDMEKISR[Gly796Glu]PTGRLRIHHA

ClinVar aggregate classification (germline): Likely pathogenic. Review status: criteria provided, multiple submitters, no conflicts (2 of 4 stars). 2 submissions from 2 submitters: Likely pathogenic (2). Last evaluated 2024-09-21.

Conditions:
Finnish congenital nephrotic syndrome (NPHS1). Also called: NEPHROTIC SYNDROME, TYPE 1. Identifiers: Orphanet 839, MedGen C0403399, MONDO:0009732, OMIM 256300.

Allele frequency attached by ClinVar (database versions not stated): gnomAD exomes 0.00001.

Submissions (2):

Victorian Clinical Genetics Services, Murdoch Childrens Research Institute
Classification: Likely pathogenic for Finnish congenital nephrotic syndrome. Last evaluated: 2024-09-21. Review status: criteria provided, single submitter. Criteria: ACMG Guidelines, 2015. Collection method: clinical testing. Allele origin: germline. Inheritance: Autosomal recessive inheritance. Affected: yes.
Comment: Based on the classification scheme VCGS_Germline_v1.3.4, this variant is classified as Likely pathogenic. Following criteria are met: 0102 - Loss of function is a known mechanism of disease in this gene and is associated with nephrotic syndrome type 1 (MIM#256300). (I) 0106 - This gene is associated with autosomal recessive disease. (I) 0200 - Variant is predicted to result in a missense amino acid change from glycine to glutamic acid. (I) 0251 - This variant is heterozygous. (I) 0301 - Variant is absent from gnomAD (both v2 and v3). (SP) 0502 - Missense variant with conflicting in silico predictions and uninformative conservation. (I) 0600 - Variant is located in the annotated immunoglobulin domain (DECIPHER). (I) 0705 - No comparable missense variants have previous evidence for pathogenicity. The variant p.(Gly796Arg) has been reported in individuals with nephrotic syndrome, but has not been considered comparable due to it having a higher Grantham score (PMID: 20798252, 31443662, 31456999). (I) 0803 - This variant has limited previous evidence of pathogenicity in two unrelated individuals, one with a confirmed diagnosis of nephrotic syndrome (ClinVar, PMID: 28117080). (SP) 0905 - No published segregation evidence has been identified for this variant. (I) 1007 - No published functional evidence has been identified for this variant. (I) 1201 - Heterozygous variant detected in trans with a second pathogenic heterozygous variant (p.(Val1084Glyfs*12)) in a recessive disease. (I) Legend: (SP) - Supporting pathogenic, (I) - Information, (SB) - Supporting benign

Labcorp Genetics (formerly Invitae), Labcorp
Classification: Likely pathogenic. Last evaluated: 2024-01-11. Review status: criteria provided, single submitter. Criteria: Invitae Variant Classification Sherloc (09022015). Collection method: clinical testing. Allele origin: germline.
Comment: This sequence change replaces glycine, which is neutral and non-polar, with glutamic acid, which is acidic and polar, at codon 796 of the NPHS1 protein (p.Gly796Glu). This variant is not present in population databases (gnomAD no frequency). This missense change has been observed in individual(s) with nephrotic syndrome (PMID: 28117080). ClinVar contains an entry for this variant (Variation ID: 1498356). Advanced modeling of protein sequence and biophysical properties (such as structural, functional, and spatial information, amino acid conservation, physicochemical variation, residue mobility, and thermodynamic stability) performed at Invitae indicates that this missense variant is expected to disrupt NPHS1 protein function with a positive predictive value of 80%. This variant disrupts the p.Gly796 amino acid residue in NPHS1. Other variant(s) that disrupt this residue have been determined to be pathogenic (PMID: 20798252, 31443662, 31456999). This suggests that this residue is clinically significant, and that variants that disrupt this residue are likely to be disease-causing. In summary, the currently available evidence indicates that the variant is pathogenic, but additional data are needed to prove that conclusively. Therefore, this variant has been classified as Likely Pathogenic.

Literature cited by the submitters: PubMed 20798252 (cited by Victorian Clinical Genetics Services, Murdoch Childrens Research Institute and Labcorp Genetics (formerly Invitae), Labcorp); PubMed 28117080 (cited by Victorian Clinical Genetics Services, Murdoch Childrens Research Institute and Labcorp Genetics (formerly Invitae), Labcorp); PubMed 31443662 (cited by Victorian Clinical Genetics Services, Murdoch Childrens Research Institute and Labcorp Genetics (formerly Invitae), Labcorp); PubMed 31456999 (cited by Victorian Clinical Genetics Services, Murdoch Childrens Research Institute and Labcorp Genetics (formerly Invitae), Labcorp).